The following is an entry in ClinVar:

ClinVar aggregate classification (germline): Conflicting classifications of pathogenicity. Review status: criteria provided, conflicting classifications (1 of 4 stars). 3 submissions from 3 submitters: Uncertain significance (2); Benign (1). Last evaluated 2024-11-13.

Conditions:
Occult macular dystrophy (OCMD). Also called: OCCULT MACULAR DYSTROPHY, SUSCEPTIBILITY TO; OMD. Identifiers: Orphanet 247834, MedGen C3150833, MONDO:0013316, OMIM 613587, HP:0030636.

Allele frequency attached by ClinVar (database versions not stated): TOPMed 0.00033; gnomAD 0.00038; ESP Exome Variant Server 0.00055.
gnomAD v4.1: 1,094 of 1,613,072 alleles (0.068%); highest among the groups gnomAD compares: Non-Finnish European, 0.087%; no homozygotes.

Submissions (3):

Blueprint Genetics
Classification: Uncertain significance. Last evaluated: 2024-11-13. Review status: criteria provided, single submitter. Criteria: ACMG Guidelines, 2015. Collection method: clinical testing. Allele origin: germline.

CeGaT Center for Human Genetics Tuebingen
Classification: Uncertain significance. Last evaluated: 2019-10-01. Review status: criteria provided, single submitter. Criteria: CeGaT Center For Human Genetics Tuebingen Variant Classification Criteria Version 2. Collection method: clinical testing. Allele origin: germline. Affected: yes. Observed: 2 variant alleles.

Illumina Laboratory Services, Illumina
Classification: Benign for Occult macular dystrophy. Last evaluated: 2018-01-13. Review status: criteria provided, single submitter. Criteria: ICSL Variant Classification Criteria 13 December 2019. Collection method: clinical testing. Allele origin: germline.
Comment: This variant was observed in the ICSL laboratory as part of a predisposition screen in an ostensibly healthy population. It had not been previously curated by ICSL or reported in the Human Gene Mutation Database (HGMD: prior to June 1st, 2018), and was therefore a candidate for classification through an automated scoring system. Utilizing variant allele frequency, disease prevalence and penetrance estimates, and inheritance mode, an automated score was calculated to assess if this variant is too frequent to cause the disease. Based on the score and internal cut-off values, a variant classified as benign is not then subjected to further curation. The score for this variant resulted in a classification of benign for this disease.

NM_178857.6(RP1L1):c.1762G>T (p.Asp588Tyr)

Gene: RP1L1 (RP1 like 1). Cytogenetic location: 8p23.1.
Variant type: single nucleotide variant.
Coding change: c.1762G>T on transcript NM_178857.6 (MANE Select); coding-DNA position 1762, G replaced by T.
Protein change: p.Asp588Tyr; replaces aspartic acid 588 with tyrosine.
Molecular consequence: missense variant.
Genome position (GRCh38, 1-based): chr8:10,612,336, C>A on the plus strand (G>T on the coding strand, the complement: RP1L1 is on the minus strand). VCF-style: chr8-10612336-C-A. GRCh37 (hg19) VCF-style: chr8-10469846-C-A.
Other names: short protein forms D588Y.
Identifiers: ClinVar variation 493471 (VCV000493471.49), dbSNP rs200344135, ClinGen allele CA4625065.
Genomic context (GRCh38, chr8:10,612,336, plus strand): 5'-TTGTCACAGCCGCTCCCGTGGCCTGCTCGGTGCCCTGTCCTTGCGTCTCTGCCTGCAGGT[C>A]GTCACTCCTTAAAGATGAAAGACTCAGGGCTGGAGAAGCGGGGTCGCCTCCCTCGCTGGC-3'
Protein context (NP_849188.4, residues 578-598): ALSLSSLRSD[Asp588Tyr]LQAETQGQGT